The following is an entry in ClinVar:

ClinVar aggregate classification (germline): Likely benign. Review status: criteria provided, multiple submitters, no conflicts (2 of 4 stars). 2 submissions from 2 submitters: Likely benign (2). Last evaluated 2025-04-03.

Conditions:
ALG8 congenital disorder of glycosylation. Also called: CONGENITAL DISORDER OF GLYCOSYLATION, TYPE Ih; CDG Ih; ALG8-CDG. Identifiers: Orphanet 79325, MedGen C2931002, MONDO:0011969, OMIM 608104.

Allele frequency attached by ClinVar (database versions not stated): gnomAD 0.00001; TOPMed 0.00001; ExAC 0.00002; gnomAD exomes 0.00002; ESP Exome Variant Server 0.00008.
gnomAD v4.1: 13 of 1,614,048 alleles (0.00081%); highest among the groups gnomAD compares: South Asian, 0.0011%; no homozygotes.

Submissions (2):

Labcorp Genetics (formerly Invitae), Labcorp
Classification: Likely benign for ALG8 congenital disorder of glycosylation. Last evaluated: 2025-04-03. Review status: criteria provided, single submitter. Criteria: Invitae Variant Classification Sherloc (09022015). Collection method: clinical testing. Allele origin: germline.

CeGaT Center for Human Genetics Tuebingen
Classification: Likely benign. Last evaluated: 2023-03-01. Review status: criteria provided, single submitter. Criteria: CeGaT Center For Human Genetics Tuebingen Variant Classification Criteria Version 2. Collection method: clinical testing. Allele origin: germline. Affected: yes. Observed: 1 variant allele.
Comment: ALG8: BP4, BP7

NM_024079.5(ALG8):c.990C>T (p.Pro330=)

Gene: ALG8 (ALG8 alpha-1,3-glucosyltransferase; minus strand). Cytogenetic location: 11q14.1.
Variant type: single nucleotide variant.
Coding change: c.990C>T on transcript NM_024079.5 (MANE Select); coding-DNA position 990, C replaced by T.
Protein change: p.Pro330=; no amino-acid change (proline 330 retained).
Molecular consequence: synonymous variant. On other transcripts: missense variant (1).
Genome position (GRCh38, 1-based): chr11:78,109,490, G>A on the plus strand (C>T on the coding strand, the complement: ALG8 is on the minus strand). VCF-style: chr11-78109490-G-A. GRCh37 (hg19) VCF-style: chr11-77820536-G-A.
Other names: c.990C>T, p.Pro330= (NM_001007027.3, NM_001425222.1, NM_001425225.1 and 4 more transcripts); c.993C>T, p.Pro331= (NM_001425219.1); c.975C>T, p.Pro325= (NM_001425220.1); c.949C>T, p.Leu317Phe (NM_001425221.1); c.984C>T, p.Pro328= (NM_001425223.1); c.1083C>T, p.Pro361= (NM_001425224.1); c.837C>T, p.Pro279= (NM_001425226.1, NM_001425236.1); c.789C>T, p.Pro263= (NM_001425231.1); and 3 more; short protein forms L317F.
Identifiers: ClinVar variation 2642198 (VCV002642198.25), dbSNP rs373303136, ClinGen allele CA6203256.
Genomic context (GRCh38, chr11:78,109,490, plus strand): 5'-TTGAGTTCTTACCAATATGGCAATCAGTGTGCAGATGAGGGTTGCCAAGGGAGTCACTGA[G>A]GGAAGGACTGTGTGTTGGAACTGCTGAACCAAACCACTTGTCATTGAGGCCTTGGGAATA-3'
Protein context (NP_076984.2, residues 320-340): LVQQFQHTVL[Pro330=]SVTPLATLIC